The following is an entry in ClinVar:

NM_001363711.2(DUOX2):c.3101del (p.Phe1034fs)

Gene: DUOX2 (dual oxidase 2; minus strand). Cytogenetic location: 15q21.1.
Variant type: Deletion.
Coding change: c.3101del on transcript NM_001363711.2 (MANE Select); coding-DNA position 3101, one base deleted (T; older notation c.3101delT).
Protein change: p.Phe1034fs; shifts the reading frame from phenylalanine 1034.
Molecular consequence: frameshift variant.
Genome position (GRCh38, 1-based): chr15:45,100,133, A deleted on the plus strand (T on the coding strand, the reverse complement: DUOX2 is on the minus strand); the first of 2 consecutive A bases (chr15:45,100,133-45,100,134); deleting either gives the same sequence. VCF-style (leftmost placement, unchanged base first): chr15-45100132-GA-G. GRCh37 (hg19) VCF-style: chr15-45392330-GA-G.
Other names: c.3101del, p.Phe1034fs (NM_014080.5); short protein forms F1034fs.
Identifiers: ClinVar variation 2760392 (VCV002760392.3), dbSNP rs2504751266, ClinGen allele CA2697551985.

ClinVar aggregate classification (germline): Pathogenic (1 of 4 stars; one submission).

Submission:

Labcorp Genetics (formerly Invitae), Labcorp
Classification: Pathogenic. Last evaluated: 2023-09-12. Review status: criteria provided, single submitter. Criteria: Invitae Variant Classification Sherloc (09022015). Collection method: clinical testing. Allele origin: germline.
Comment: For these reasons, this variant has been classified as Pathogenic. This variant has not been reported in the literature in individuals affected with DUOX2-related conditions. This variant is not present in population databases (gnomAD no frequency). This sequence change creates a premature translational stop signal (p.Phe1034Serfs*73) in the DUOX2 gene. It is expected to result in an absent or disrupted protein product. Loss-of-function variants in DUOX2 are known to be pathogenic (PMID: 12110737, 18765513, 21565790, 24423310, 24735383).

Literature cited by the submitters: PubMed 12110737; PubMed 18765513; PubMed 21565790; PubMed 24423310; PubMed 24735383.